The following is an entry in ClinVar:

NM_000219.6(KCNE1):c.81G>A (p.Met27Ile)

Gene: KCNE1 (potassium voltage-gated channel subfamily E regulatory subunit 1; minus strand). Cytogenetic location: 21q22.12.
Variant type: single nucleotide variant.
Coding change: c.81G>A on transcript NM_000219.6 (MANE Select); coding-DNA position 81, G replaced by A.
Protein change: p.Met27Ile; replaces methionine 27 with isoleucine.
Molecular consequence: missense variant.
Genome position (GRCh38, 1-based): chr21:34,449,554, C>T on the plus strand (G>A on the coding strand, the complement: KCNE1 is on the minus strand). VCF-style: chr21-34449554-C-T. GRCh37 (hg19) VCF-style: chr21-35821852-C-T.
Other names: c.81G>A, p.Met27Ile (NM_001127668.4, NM_001127669.4, NM_001127670.4 and 4 more transcripts); short protein forms M27I.
Identifiers: ClinVar variation 3373994 (VCV003373994.2).

Conditions:
Long QT syndrome 5 (LQT5). Identifiers: Orphanet 101016, Orphanet 768, MedGen C1867904, MONDO:0013372, OMIM 613695.

gnomAD v4.1: 2 of 978,428 alleles (0.0002%); highest among the groups gnomAD compares: Non-Finnish European, 0.00028%; 1 homozygote.

Submission:

Roden Lab, Vanderbilt University Medical Center
No classification provided (evidence only). Condition: Long QT syndrome 5. Review status: no classification provided. Collection method: in vitro. Allele origin: not applicable. Functional consequence: Effect on ion channel function.
ClinVar note: "not provided" was previously submitted as the classification for the variant. However, the classification appeared to be based only on an observation of functional data so it was converted to no classification on 2025-07-30.